The following is an entry in ClinVar:

NM_003482.4(KMT2D):c.15134G>A (p.Gly5045Glu)

Gene: KMT2D (lysine methyltransferase 2D; minus strand). Cytogenetic location: 12q13.12.
Variant type: single nucleotide variant.
Coding change: c.15134G>A on transcript NM_003482.4 (MANE Select); coding-DNA position 15134, G replaced by A.
Protein change: p.Gly5045Glu; replaces glycine 5045 with glutamic acid.
Molecular consequence: missense variant.
Genome position (GRCh38, 1-based): chr12:49,026,832, C>T on the plus strand (G>A on the coding strand, the complement: KMT2D is on the minus strand). VCF-style: chr12-49026832-C-T. GRCh37 (hg19) VCF-style: chr12-49420615-C-T.
Other names: short protein forms G5045E.
Identifiers: ClinVar variation 2824523 (VCV002824523.3), dbSNP rs2120363401, ClinGen allele CA384689619.

ClinVar aggregate classification (germline): Uncertain significance (1 of 4 stars; one submission).

Conditions:
Kabuki syndrome. Also called: Kabuki make-up syndrome; NIIKAWA-KUROKI SYNDROME. Identifiers: Orphanet 2322, MedGen C0796004, MONDO:0016512.

Submission:

Labcorp Genetics (formerly Invitae), Labcorp
Classification: Uncertain significance for Kabuki syndrome. Last evaluated: 2022-12-27. Review status: criteria provided, single submitter. Criteria: Invitae Variant Classification Sherloc (09022015). Collection method: clinical testing. Allele origin: germline.
Comment: In summary, the available evidence is currently insufficient to determine the role of this variant in disease. Therefore, it has been classified as a Variant of Uncertain Significance. Advanced modeling of protein sequence and biophysical properties (such as structural, functional, and spatial information, amino acid conservation, physicochemical variation, residue mobility, and thermodynamic stability) performed at Invitae indicates that this missense variant is not expected to disrupt KMT2D protein function. This variant has not been reported in the literature in individuals affected with KMT2D-related conditions. This variant is not present in population databases (gnomAD no frequency). This sequence change replaces glycine, which is neutral and non-polar, with glutamic acid, which is acidic and polar, at codon 5045 of the KMT2D protein (p.Gly5045Glu).